The following is an entry in ClinVar:

NM_033118.4(MYLK2):c.5C>T (p.Ala2Val)

Gene: MYLK2 (myosin light chain kinase 2; plus strand). Cytogenetic location: 20q11.21.
Variant type: single nucleotide variant.
Coding change: c.5C>T on transcript NM_033118.4 (MANE Select); coding-DNA position 5, C replaced by T.
Protein change: p.Ala2Val; replaces alanine 2 with valine.
Molecular consequence: missense variant.
Genome position (GRCh38, 1-based): chr20:31,819,585, C>T. VCF-style: chr20-31819585-C-T. GRCh37 (hg19) VCF-style: chr20-30407388-C-T.
Other names: short protein forms A2V.
Identifiers: ClinVar variation 1515303 (VCV001515303.11), dbSNP rs373406874, ClinGen allele CA313849078.
Genomic context (GRCh38, chr20:31,819,585, plus strand): 5'-TTCTGCAGCTAGAAAGACTTGAGTTAGACAAGCAGCAGCACACGCCTCCCTACCTCATGG[C>T]GACAGAAAATGGAGCAGTTGAGCTGGGAATTCAGAACCCATCAACAGGTGCCAAGCTGGG-3'
Protein context (NP_149109.1, residues 1-12): M[Ala2Val]TENGAVELGI

ClinVar aggregate classification (germline): Uncertain significance. Review status: criteria provided, multiple submitters, no conflicts (2 of 4 stars). 2 submissions from 2 submitters: Uncertain significance (2). Last evaluated 2024-10-08.

Conditions:
Hypertrophic cardiomyopathy 1 (CMH1). Also called: Familial hypertrophic cardiomyopathy 1; MYH7-Related Familial Hypertrophic Cardiomyopathy. Identifiers: MedGen C3495498, MONDO:0008647, OMIM 192600.

Allele frequency attached by ClinVar (database versions not stated): TOPMed 0.00003; gnomAD 0.00004 and 0.00005; 1000 Genomes Project 30x 0.00016; 1000 Genomes Project 0.00020.
gnomAD v4.1: 22 of 1,551,502 alleles (0.0014%); highest among the groups gnomAD compares: East Asian, 0.0073%; no homozygotes.

Submissions (2):

Ambry Genetics
Classification: Uncertain significance. Last evaluated: 2024-10-08. Review status: criteria provided, single submitter. Criteria: Ambry Variant Classification Scheme 2023. Collection method: clinical testing. Allele origin: germline.
Comment: The p.A2V variant (also known as c.5C>T), located in coding exon 1 of the MYLK2 gene, results from a C to T substitution at nucleotide position 5. The alanine at codon 2 is replaced by valine, an amino acid with similar properties. This amino acid position is conserved. In addition, this alteration is predicted to be tolerated by in silico analysis. Since supporting evidence is limited at this time, the clinical significance of this alteration remains unclear.

Labcorp Genetics (formerly Invitae), Labcorp
Classification: Uncertain significance for Hypertrophic cardiomyopathy 1. Last evaluated: 2021-04-23. Review status: criteria provided, single submitter. Criteria: Invitae Variant Classification Sherloc (09022015). Collection method: clinical testing. Allele origin: germline.
Comment: In summary, the available evidence is currently insufficient to determine the role of this variant in disease. Therefore, it has been classified as a Variant of Uncertain Significance. Algorithms developed to predict the effect of sequence changes on RNA splicing suggest that this variant may create or strengthen a splice site, but this prediction has not been confirmed by published transcriptional studies. Algorithms developed to predict the effect of missense changes on protein structure and function are either unavailable or do not agree on the potential impact of this missense change (SIFT: "Tolerated"; PolyPhen-2: "Probably Damaging"; Align-GVGD: "Class C0"). This variant has not been reported in the literature in individuals with MYLK2-related conditions. This variant is not present in population databases (ExAC no frequency). This sequence change replaces alanine with valine at codon 2 of the MYLK2 protein (p.Ala2Val). The alanine residue is moderately conserved and there is a small physicochemical difference between alanine and valine.